The following is an entry in ClinVar:

NM_033026.6(PCLO):c.2375C>T (p.Thr792Ile)

Gene: PCLO (piccolo presynaptic cytomatrix protein; minus strand). Cytogenetic location: 7q21.11.
Variant type: single nucleotide variant.
Coding change: c.2375C>T on transcript NM_033026.6 (MANE Select); coding-DNA position 2375, C replaced by T.
Protein change: p.Thr792Ile; replaces threonine 792 with isoleucine.
Molecular consequence: missense variant.
Genome position (GRCh38, 1-based): chr7:83,135,175, G>A on the plus strand (C>T on the coding strand, the complement: PCLO is on the minus strand). VCF-style: chr7-83135175-G-A. GRCh37 (hg19) VCF-style: chr7-82764491-G-A.
Other names: c.2375C>T (NM_033026.5); c.2375C>T, p.Thr792Ile (NM_014510.3); short protein forms T792I.
Identifiers: ClinVar variation 1424799 (VCV001424799.6), dbSNP rs758022612, ClinGen allele CA4321270.

ClinVar aggregate classification (germline): Uncertain significance. Review status: criteria provided, multiple submitters, no conflicts (2 of 4 stars). 2 submissions from 2 submitters: Uncertain significance (2). Last evaluated 2025-06-16.

Conditions:
Inborn genetic diseases. Identifiers: MedGen C0950123, MeSH D030342.

Allele frequency attached by ClinVar (database versions not stated): gnomAD exomes 0.00002; ExAC 0.00003.
gnomAD v4.1: 7 of 1,613,886 alleles (0.00043%); highest among the groups gnomAD compares: East Asian, 0.016%; no homozygotes.

Submissions (2):

Ambry Genetics
Classification: Uncertain significance for Inborn genetic diseases. Last evaluated: 2025-06-16. Review status: criteria provided, single submitter. Criteria: Ambry Variant Classification Scheme 2023. Collection method: clinical testing. Allele origin: germline.

Labcorp Genetics (formerly Invitae), Labcorp
Classification: Uncertain significance. Last evaluated: 2021-11-06. Review status: criteria provided, single submitter. Criteria: Invitae Variant Classification Sherloc (09022015). Collection method: clinical testing. Allele origin: germline.
Comment: In summary, the available evidence is currently insufficient to determine the role of this variant in disease. Therefore, it has been classified as a Variant of Uncertain Significance. Algorithms developed to predict the effect of missense changes on protein structure and function output the following: SIFT: "Tolerated"; PolyPhen-2: "Not Available"; Align-GVGD: "Class C0". The isoleucine amino acid residue is found in multiple mammalian species, which suggests that this missense change does not adversely affect protein function. This variant has not been reported in the literature in individuals affected with PCLO-related conditions. This variant is present in population databases (rs758022612, gnomAD 0.03%). This sequence change replaces threonine, which is neutral and polar, with isoleucine, which is neutral and non-polar, at codon 792 of the PCLO protein (p.Thr792Ile).